The following is an entry in ClinVar:

NM_003680.4(YARS1):c.835C>T (p.Arg279Ter)

Genes: YARS1 (tyrosyl-tRNA synthetase 1; minus strand), LOC126805688 (BRD4-independent group 4 enhancer GRCh37_chr1:33251929-33253128; plus strand). Cytogenetic location: 1p35.1.
Variant type: single nucleotide variant.
Coding change: c.835C>T on transcript NM_003680.4 (MANE Select); coding-DNA position 835, C replaced by T.
Protein change: p.Arg279Ter; replaces arginine 279 with a stop codon.
Molecular consequence: nonsense.
Genome position (GRCh38, 1-based): chr1:32,786,433, G>A on the plus strand (C>T on the coding strand, the complement: YARS1 is on the minus strand). VCF-style: chr1-32786433-G-A. GRCh37 (hg19) VCF-style: chr1-33252034-G-A.
Other names: c.835C>T (NM_003680.3); short protein forms R279*.
Identifiers: ClinVar variation 1681507 (VCV001681507.6), dbSNP rs767579114, ClinGen allele CA745073.

ClinVar aggregate classification (germline): Conflicting classifications of pathogenicity. Review status: criteria provided, conflicting classifications (1 of 4 stars). 2 submissions from 2 submitters: Pathogenic (1); Uncertain significance (1). Last evaluated 2023-11-17.

Conditions:
Inborn genetic diseases. Identifiers: MedGen C0950123, MeSH D030342.
Charcot-Marie-Tooth disease dominant intermediate C (CMTDIC). Also called: CHARCOT-MARIE-TOOTH NEUROPATHY, DOMINANT INTERMEDIATE C. Identifiers: Orphanet 100045, MedGen C1842237, MONDO:0012012, OMIM 608323.

Allele frequency attached by ClinVar (database versions not stated): gnomAD exomes below 0.00001; ExAC 0.00001.
gnomAD v4.1: 7 of 1,613,632 alleles (0.00043%); highest among the groups gnomAD compares: Non-Finnish European, 0.00051%; no homozygotes.

Submissions (2):

Ambry Genetics
Classification: Pathogenic for Inborn genetic diseases. Last evaluated: 2023-11-17. Review status: criteria provided, single submitter. Criteria: Ambry Variant Classification Scheme 2023. Collection method: clinical testing. Allele origin: germline.
Comment: The c.835C>T (p.R279*) alteration, located in exon 8 (coding exon 8) of the YARS gene, consists of a C to T substitution at nucleotide position 835. This changes the amino acid from an arginine (R) to a stop codon at amino acid position 279. This alteration is expected to result in loss of function by premature protein truncation or nonsense-mediated mRNA decay. Although biallelic loss of function of YARS has been associated with cytoplasmic tyrosyl-tRNA synthetase deficiency, haploinsufficiency of YARS has not been established as a mechanism of disease for YARS1-related intermediate Charcot-Marie-Tooth disease. Based on the available evidence, the YARS c.835C>T (p.R279*) alteration is pathogenic for autosomal recessive cytoplasmic tyrosyl-tRNA synthetase deficiency; however, its clinical significance for autosomal dominant YARS1-related intermediate Charcot-Marie-Tooth disease is uncertain. This variant was not reported in population-based cohorts in the Genome Aggregation Database (gnomAD). Based on the available evidence, this alteration is classified as pathogenic.

Labcorp Genetics (formerly Invitae), Labcorp
Classification: Uncertain significance for Charcot-Marie-Tooth disease dominant intermediate C. Last evaluated: 2022-06-26. Review status: criteria provided, single submitter. Criteria: Invitae Variant Classification Sherloc (09022015). Collection method: clinical testing. Allele origin: germline.
Comment: This sequence change creates a premature translational stop signal (p.Arg279*) in the YARS gene. It is expected to result in an absent or disrupted protein product. However, the current clinical and genetic evidence is not sufficient to establish whether loss-of-function variants in YARS cause disease. This variant is not present in population databases (gnomAD no frequency). This variant has not been reported in the literature in individuals affected with YARS-related conditions. In summary, the available evidence is currently insufficient to determine the role of this variant in disease. Therefore, it has been classified as a Variant of Uncertain Significance.